The following is an entry in ClinVar:

NM_000090.4(COL3A1):c.3089G>T (p.Gly1030Val)

Gene: COL3A1 (collagen type III alpha 1 chain; plus strand). Cytogenetic location: 2q32.2.
Variant type: single nucleotide variant.
Coding change: c.3089G>T on transcript NM_000090.4 (MANE Select); coding-DNA position 3089, G replaced by T.
Protein change: p.Gly1030Val; replaces glycine 1030 with valine.
Molecular consequence: missense variant.
Genome position (GRCh38, 1-based): chr2:189,006,255, G>T. VCF-style: chr2-189006255-G-T. GRCh37 (hg19) VCF-style: chr2-189870981-G-T.
Other names: short protein forms G1030V.
Identifiers: ClinVar variation 3072898 (VCV003072898.1), dbSNP rs2469157853, ClinGen allele CA349844988.

ClinVar aggregate classification (germline): Uncertain significance (1 of 4 stars; one submission).

Conditions:
Ehlers-Danlos syndrome, type 4 (EDSVASC). Also called: Ehlers-Danlos Syndrome Type IV; Ehlers-Danlos syndrome vascular type; Ehlers Danlos syndrome, ecchymotic type; Ehlers Danlos syndrome, arterial type; Ehlers Danlos syndrome, Sack-Barabas type. Identifiers: Orphanet 286, MedGen C0268338, MONDO:0017314, OMIM 130050.

Allele frequency attached by ClinVar (database versions not stated): gnomAD exomes below 0.00001.

Submission:

All of Us Research Program, National Institutes of Health
Classification: Uncertain significance for Ehlers-Danlos syndrome, type 4. Last evaluated: 2023-08-15. Review status: criteria provided, single submitter. Criteria: ACMG Guidelines, 2015. Collection method: clinical testing. Allele origin: germline. Inheritance: Autosomal dominant inheritance. Observed: 1 variant allele, 1 heterozygote.
Comment: This missense variant replaces glycine with valine at codon 1030 of the COL3A1 protein. Computational prediction suggests that this variant may not impact protein structure and function (internally defined REVEL score threshold <= 0.5, PMID: 27666373). To our knowledge, functional studies have not been reported for this variant. This variant has not been reported in individuals affected with COL3A1-related disorders in the literature. This variant has not been identified in the general population by the Genome Aggregation Database (gnomAD). The available evidence is insufficient to determine the role of this variant in disease conclusively. Therefore, this variant is classified as a Variant of Uncertain Significance.

This study involves interpretation of variants in research participants for the purpose of population health screening. Participant phenotype was not available at the time of variant classification. Additional details can be found in publication PMID: 35346344, PMCID: PMC8962531